The following is an entry in ClinVar:

NM_000552.5(VWF):c.7174T>C (p.Tyr2392His)

Gene: VWF (von Willebrand factor; minus strand). Cytogenetic location: 12p13.31.
Variant type: single nucleotide variant.
Coding change: c.7174T>C on transcript NM_000552.5 (MANE Select); coding-DNA position 7174, T replaced by C.
Protein change: p.Tyr2392His; replaces tyrosine 2392 with histidine.
Molecular consequence: missense variant.
Genome position (GRCh38, 1-based): chr12:5,981,899, A>G on the plus strand (T>C on the coding strand, the complement: VWF is on the minus strand). VCF-style: chr12-5981899-A-G. GRCh37 (hg19) VCF-style: chr12-6091065-A-G.
Other names: short protein forms Y2392H.
Identifiers: ClinVar variation 1191998 (VCV001191998.3), dbSNP rs181290699, ClinGen allele CA6401750.

ClinVar aggregate classification (germline): Uncertain significance. Review status: criteria provided, multiple submitters, no conflicts (2 of 4 stars). 2 submissions from 2 submitters: Uncertain significance (2). Last evaluated 2024-07-15.

Allele frequency attached by ClinVar (database versions not stated): ExAC 0.00002; gnomAD exomes 0.00002 and 0.00004; gnomAD 0.00005 and 0.00006; 1000 Genomes Project 0.00020; 1000 Genomes Project 30x 0.00031.

Submissions (2):

Blueprint Genetics
Classification: Uncertain significance. Last evaluated: 2024-07-15. Review status: criteria provided, single submitter. Criteria: ACMG Guidelines, 2015. Collection method: clinical testing. Allele origin: germline.

GeneDx
Classification: Uncertain significance. Last evaluated: 2019-12-03. Review status: criteria provided, single submitter. Criteria: GeneDx Variant Classification Process June 2021. Collection method: clinical testing. Allele origin: germline. Affected: yes.
Comment: In silico analysis, which includes protein predictors and evolutionary conservation, supports that this variant does not alter protein structure/function; Has not been previously published as pathogenic or benign to our knowledge